The following is an entry in ClinVar:

NC_000004.11:g.(?_524205)_(527790_?)del

Gene: PIGG (phosphatidylinositol glycan anchor biosynthesis class G (EMM blood group); plus strand). Cytogenetic location: 4p16.3.
Variant type: Deletion.
Identifiers: ClinVar variation 2423741 (VCV002423741.6).

ClinVar aggregate classification (germline): Pathogenic (1 of 4 stars; one submission).

Conditions:
Intellectual disability, autosomal recessive 53 (NEDHSCA). Also called: GLYCOSYLPHOSPHATIDYLINOSITOL BIOSYNTHESIS DEFECT 13; Mental retardation, autosomal recessive 53; NEURODEVELOPMENTAL DISORDER WITH OR WITHOUT HYPOTONIA, SEIZURES, AND CEREBELLAR ATROPHY. Identifiers: Orphanet 488635, MedGen C4310794, MONDO:0014832, OMIM 616917.

Submission:

Labcorp Genetics (formerly Invitae), Labcorp
Classification: Pathogenic for Intellectual disability, autosomal recessive 53. Last evaluated: 2023-10-13. Review status: criteria provided, single submitter. Criteria: Invitae Variant Classification Sherloc (09022015). Collection method: clinical testing. Allele origin: germline.
Comment: This variant is a gross deletion of the genomic region encompassing exon(s) 11-12 of the PIGG gene. This variant would be expected to be in-frame, preserving the integrity of the reading frame. This variant has not been reported in the literature in individuals affected with PIGG-related conditions. This variant disrupts a region of the PIGG protein in which other variant(s) (p.Gln851Pro) have been determined to be pathogenic (PMID: 34113002). This suggests that this is a clinically significant region of the protein, and that variants that disrupt it are likely to be disease-causing. For these reasons, this variant has been classified as Pathogenic.

Literature cited by the submitters: PubMed 34113002.